The following is an entry in ClinVar:

ClinVar aggregate classification (germline): Uncertain significance (1 of 4 stars; one submission).

Submission:

Ambry Genetics
Classification: Uncertain significance. Last evaluated: 2025-04-06. Review status: criteria provided, single submitter. Criteria: Ambry Variant Classification Scheme 2023. Collection method: clinical testing. Allele origin: germline.
Comment: The p.A177V variant (also known as c.530C>T), located in coding exon 3 of the GFI1 gene, results from a C to T substitution at nucleotide position 530. The alanine at codon 177 is replaced by valine, an amino acid with similar properties. This amino acid position is conserved. In addition, this alteration is predicted to be tolerated by in silico analysis. Based on the available evidence, the clinical significance of this variant remains unclear.

NM_005263.5(GFI1):c.530C>T (p.Ala177Val)

Gene: GFI1 (growth factor independent 1 transcriptional repressor; minus strand). Cytogenetic location: 1p22.1.
Variant type: single nucleotide variant.
Coding change: c.530C>T on transcript NM_005263.5 (MANE Select); coding-DNA position 530, C replaced by T.
Protein change: p.Ala177Val; replaces alanine 177 with valine.
Molecular consequence: missense variant.
Genome position (GRCh38, 1-based): chr1:92,480,857, G>A on the plus strand (C>T on the coding strand, the complement: GFI1 is on the minus strand). VCF-style: chr1-92480857-G-A. GRCh37 (hg19) VCF-style: chr1-92946414-G-A.
Other names: c.530C>T, p.Ala177Val (NM_001127215.3, NM_001127216.3); short protein forms A177V.
Identifiers: ClinVar variation 4029384 (VCV004029384.1).